The following is an entry in ClinVar:

ClinVar aggregate classification (germline): Uncertain significance (1 of 4 stars; one submission).

Conditions:
Mucopolysaccharidosis, MPS-IV-A (MPS4A). Also called: Mucopolysaccharidosis type IV A; Mucopolysaccharidosis Type IVA; Morquio syndrome A, mild; MORQUIO SYNDROME A; MPS IVA; mucopolysaccharidosis type 4A. Identifiers: Orphanet 309297, Orphanet 582, MedGen C0086651, MONDO:0009659, OMIM 253000.

Allele frequency attached by ClinVar (database versions not stated): gnomAD exomes below 0.00001.
gnomAD v4.1: 1 of 1,614,032 alleles (0.000062%); highest among the groups gnomAD compares: Non-Finnish European, 0.000085%; no homozygotes.

Submission:

Laboratory of Diagnosis and Therapy of Lysosomal Disorders, University of Padova
Classification: Uncertain significance for Mucopolysaccharidosis, MPS-IV-A. Last evaluated: 2021-02-01. Review status: criteria provided, single submitter. Criteria: ACMG Guidelines, 2015. Collection method: research. Allele origin: germline. Affected: yes.
Comment: Absent from gnomAD v2.1.1 (PM2_moderate); multiple lines of computational evidence support a deleterious effect on the gene (PP3_supporting)

Literature cited by the submitters: PubMed 34387910.

NM_000512.5(GALNS):c.508T>C (p.Tyr170His)

Gene: GALNS (galactosamine (N-acetyl)-6-sulfatase; minus strand). Cytogenetic location: 16q24.3.
Variant type: single nucleotide variant.
Coding change: c.508T>C on transcript NM_000512.5 (MANE Select); coding-DNA position 508, T replaced by C.
Protein change: p.Tyr170His; replaces tyrosine 170 with histidine.
Molecular consequence: missense variant. On other transcripts: 5 prime UTR variant (1).
Genome position (GRCh38, 1-based): chr16:88,837,680, A>G on the plus strand (T>C on the coding strand, the complement: GALNS is on the minus strand). VCF-style: chr16-88837680-A-G. GRCh37 (hg19) VCF-style: chr16-88904088-A-G.
Other names: c.-48T>C (NM_001323543.2); c.526T>C, p.Tyr176His (NM_001323544.2); short protein forms Y170H, Y176H.
Identifiers: ClinVar variation 1048282 (VCV001048282.3), dbSNP rs2143002372, ClinGen allele CA397082870.